The following is an entry in ClinVar:

NM_177924.5(ASAH1):c.365T>C (p.Val122Ala)

Gene: ASAH1 (N-acylsphingosine amidohydrolase 1; minus strand). Cytogenetic location: 8p22.
Variant type: single nucleotide variant.
Coding change: c.365T>C on transcript NM_177924.5 (MANE Select); coding-DNA position 365, T replaced by C.
Protein change: p.Val122Ala; replaces valine 122 with alanine.
Molecular consequence: missense variant.
Genome position (GRCh38, 1-based): chr8:18,067,237, A>G on the plus strand (T>C on the coding strand, the complement: ASAH1 is on the minus strand). VCF-style: chr8-18067237-A-G. GRCh37 (hg19) VCF-style: chr8-17924746-A-G.
Other names: c.347T>C, p.Val116Ala (NM_001127505.3); c.170T>C, p.Val57Ala (NM_001363743.2); c.413T>C, p.Val138Ala (NM_004315.6); short protein forms V138A, V116A, V122A, V57A.
Identifiers: ClinVar variation 2133440 (VCV002133440.4), dbSNP rs2537947886, ClinGen allele CA370432700.

ClinVar aggregate classification (germline): Uncertain significance (1 of 4 stars; one submission).

Allele frequency attached by ClinVar (database versions not stated): gnomAD exomes below 0.00001.

Submission:

Labcorp Genetics (formerly Invitae), Labcorp
Classification: Uncertain significance. Last evaluated: 2022-05-04. Review status: criteria provided, single submitter. Criteria: Invitae Variant Classification Sherloc (09022015). Collection method: clinical testing. Allele origin: germline.
Comment: This variant is not present in population databases (gnomAD no frequency). In summary, the available evidence is currently insufficient to determine the role of this variant in disease. Therefore, it has been classified as a Variant of Uncertain Significance. Algorithms developed to predict the effect of missense changes on protein structure and function output the following: SIFT: "Tolerated"; PolyPhen-2: "Benign"; Align-GVGD: "Class C0". The alanine amino acid residue is found in multiple mammalian species, which suggests that this missense change does not adversely affect protein function. This variant has not been reported in the literature in individuals affected with ASAH1-related conditions. This sequence change replaces valine, which is neutral and non-polar, with alanine, which is neutral and non-polar, at codon 122 of the ASAH1 protein (p.Val122Ala).